The following is an entry in ClinVar:

NM_003047.5(SLC9A1):c.2357C>T (p.Pro786Leu)

Gene: SLC9A1 (solute carrier family 9 member A1; minus strand). Cytogenetic location: 1p36.11.
Variant type: single nucleotide variant.
Coding change: c.2357C>T on transcript NM_003047.5 (MANE Select); coding-DNA position 2357, C replaced by T.
Protein change: p.Pro786Leu; replaces proline 786 with leucine.
Molecular consequence: missense variant. On other transcripts: non-coding transcript variant (1).
Genome position (GRCh38, 1-based): chr1:27,100,398, G>A on the plus strand (C>T on the coding strand, the complement: SLC9A1 is on the minus strand). VCF-style: chr1-27100398-G-A. GRCh37 (hg19) VCF-style: chr1-27426889-G-A.
Other names: short protein forms P786L.
Identifiers: ClinVar variation 2070633 (VCV002070633.1), dbSNP rs760629405, ClinGen allele CA710802.

ClinVar aggregate classification (germline): Uncertain significance (1 of 4 stars; one submission).

Allele frequency attached by ClinVar (database versions not stated): gnomAD exomes 0.00002; TOPMed 0.00002; gnomAD 0.00004; ExAC 0.00009.
gnomAD v4.1: 33 of 1,601,788 alleles (0.0021%); highest among the groups gnomAD compares: Admixed American, 0.051%; no homozygotes.

Submission:

Labcorp Genetics (formerly Invitae), Labcorp
Classification: Uncertain significance. Last evaluated: 2022-08-13. Review status: criteria provided, single submitter. Criteria: Invitae Variant Classification Sherloc (09022015). Collection method: clinical testing. Allele origin: germline.
Comment: This sequence change replaces proline, which is neutral and non-polar, with leucine, which is neutral and non-polar, at codon 786 of the SLC9A1 protein (p.Pro786Leu). This variant is present in population databases (rs760629405, gnomAD 0.06%). This variant has not been reported in the literature in individuals affected with SLC9A1-related conditions. Algorithms developed to predict the effect of missense changes on protein structure and function are either unavailable or do not agree on the potential impact of this missense change (SIFT: "Deleterious"; PolyPhen-2: "Benign"; Align-GVGD: "Class C0"). In summary, the available evidence is currently insufficient to determine the role of this variant in disease. Therefore, it has been classified as a Variant of Uncertain Significance.